The following is an entry in ClinVar:

ClinVar aggregate classification (germline): Uncertain significance (1 of 4 stars; one submission).

Conditions:
Torsion dystonia 6 (DYT6). Also called: DYT-THAP1. Identifiers: Orphanet 98806, MedGen C1414216, MONDO:0011264, OMIM 602629.

Submission:

Labcorp Genetics (formerly Invitae), Labcorp
Classification: Uncertain significance for Torsion dystonia 6. Last evaluated: 2018-02-12. Review status: criteria provided, single submitter. Criteria: Invitae Variant Classification Sherloc (09022015). Collection method: clinical testing. Allele origin: germline.
Comment: In summary, the available evidence is currently insufficient to determine the role of this variant in disease. Therefore, it has been classified as a Variant of Uncertain Significance. Experimental studies and prediction algorithms are not available for this variant, and the functional significance of the deleted amino acid is currently unknown. This variant has not been reported in the literature in individuals with THAP1-related disease. This variant is not present in population databases (ExAC no frequency). This variant, c.143_145delCCA, results in the deletion of 1 amino acid of the THAP1 protein (p.Thr48del), but otherwise preserves the integrity of the reading frame.

NM_018105.3(THAP1):c.140CCA[1] (p.Thr48del)

Gene: THAP1 (THAP domain containing 1; minus strand). Cytogenetic location: 8p11.21.
Variant type: Microsatellite.
Coding change: c.140CCA[1] on transcript NM_018105.3 (MANE Select); one copy of the 3-base unit CCA starting at c.140; the reference has two copies in a row; one copy, 3 bases deleted.
Protein change: p.Thr48del; deletes threonine 48.
Molecular consequence: inframe deletion. On other transcripts: intron variant (1).
Genome position (GRCh38, 1-based): chr8:42,839,308-42,839,310, TGG deleted on the plus strand (CCA on the coding strand, the reverse complement: THAP1 is on the minus strand); deleting any 3 consecutive bases within chr8:42,839,308-42,839,313 gives the same sequence; the position shown is the placement nearest the transcript's 3' end. VCF-style (leftmost placement, unchanged base first): chr8-42839307-TTGG-T. GRCh37 (hg19) VCF-style: chr8-42694450-TTGG-T.
Other names: c.72-974_72-972del (NM_199003.2); short protein forms T48del.
Identifiers: ClinVar variation 573861 (VCV000573861.4), dbSNP rs1563644832, ClinGen allele CA891842753.